The following is an entry in ClinVar:

ClinVar aggregate classification (germline): Uncertain significance (1 of 4 stars; one submission).

gnomAD v4.1: 1 of 1,614,214 alleles (0.000062%); highest among the groups gnomAD compares: South Asian, 0.0011%; no homozygotes.

Submission:

Women's Health and Genetics/Laboratory Corporation of America, LabCorp
Classification: Uncertain significance. Last evaluated: 2025-09-30. Review status: criteria provided, single submitter. Criteria: LabCorp Variant Classification Summary - May 2015. Collection method: clinical testing. Allele origin: germline.
Comment: Variant summary: FAT2 c.4634T>C (p.Val1545Ala) results in a non-conservative amino acid change in the encoded protein sequence. Algorithms developed to predict the effect of missense changes on protein structure and function all suggest that this variant is likely to be disruptive. The variant was absent in 251258 control chromosomes. The available data on variant occurrences in the general population are insufficient to allow any conclusion about variant significance. To our knowledge, no occurrence of c.4634T>C in individuals affected with FAT2-related conditions and no experimental evidence demonstrating its impact on protein function have been reported. No submitters have cited clinical-significance assessments for this variant to ClinVar. Based on the evidence outlined above, the variant was classified as uncertain significance.

NM_001447.3(FAT2):c.4634T>C (p.Val1545Ala)

Genes: FAT2 (FAT atypical cadherin 2; minus strand), SLC36A1 (solute carrier family 36 member 1; plus strand). Cytogenetic location: 5q33.1.
Variant type: single nucleotide variant.
Coding change: c.4634T>C on transcript NM_001447.3 (MANE Select); coding-DNA position 4634, T replaced by C.
Protein change: p.Val1545Ala; replaces valine 1545 with alanine.
Molecular consequence: missense variant.
Genome position (GRCh38, 1-based): chr5:151,549,450, A>G on the plus strand (T>C on the coding strand, the complement: FAT2 is on the minus strand). VCF-style: chr5-151549450-A-G. GRCh37 (hg19) VCF-style: chr5-150929011-A-G.
Other names: short protein forms V1545A.
Identifiers: ClinVar variation 4535981 (VCV004535981.1).
Genomic context (GRCh38, chr5:151,549,450, plus strand): 5'-GGAACACTTGCCTCATAATGGAGCTGAGTGAAGCGGGGTGGGTGGAGGTTTCCATCCTCC[A>G]CATGAATGGTCACCCACACGAAGTTCCTCTTGATAGGTATTTCCTGGTCTCGGACCTATG-3'
Protein context (NP_001438.1, residues 1535-1555): KRNFVWVTIH[Val1545Ala]EDGNLHPPRF